The following is an entry in ClinVar:

NM_000051.4(ATM):c.1313_1389delinsGACTCCATTAC (p.Ile438_Ala463delinsArgLeuHisTyr)

Gene: ATM (ATM serine/threonine kinase; plus strand). Cytogenetic location: 11q22.3.
Variant type: Indel.
Coding change: c.1313_1389delinsGACTCCATTAC on transcript NM_000051.4 (MANE Select); coding-DNA positions 1313 to 1389, the reference bases replaced by GACTCCATTAC.
Protein change: p.Ile438_Ala463delinsArgLeuHisTyr.
Molecular consequence: inframe indel.
Genome position (GRCh38, 1-based): chr11:108,250,778-108,250,854, 77 bases replaced. GRCh37 (hg19): chr11:108,121,505-108,121,581.
Other names: c.1313_1389delinsGACTCCATTAC, p.Ile438_Ala463delinsArgLeuHisTyr (NM_001351834.2); c.1313_1389del77insGACTCCATTAC (NM_000051.3).
Identifiers: ClinVar variation 629331 (VCV000629331.3), dbSNP rs1565382200, ClinGen allele CA913188383.

ClinVar aggregate classification (germline): Uncertain significance. Review status: criteria provided, multiple submitters, no conflicts (2 of 4 stars). 2 submissions from 2 submitters: Uncertain significance (2). Last evaluated 2026-06-08.

Conditions:
Hereditary cancer-predisposing syndrome. Also called: Tumor predisposition; Hereditary Cancer Syndrome; Neoplastic Syndromes, Hereditary; Hereditary neoplastic syndrome. Identifiers: Orphanet 140162, MedGen C0027672, MeSH D009386, MONDO:0015356.

Submissions (2):

Ambry Genetics
Classification: Uncertain significance for Hereditary cancer-predisposing syndrome. Last evaluated: 2026-06-08. Review status: criteria provided, single submitter. Criteria: Ambry Variant Classification Scheme 2023. Collection method: clinical testing. Allele origin: germline.
Comment: The c.1313_1389del77ins11 variant (also known as p.I438_A463delinsRLHY), located in coding exon 9 of the ATM gene, results from an in-frame deletion of 77 nucleotides and insertion of 11 nucleotides at positions c.1313 to c.1389. This results in the deletion of 26 amino acid residues and insertion of 4 amino acid residues at codon 438.This amino acid region is well conserved in available vertebrate species. In addition, this variant is predicted to be deleterious by in silico analysis (Choi Y et al. PLoS ONE. 2012; 7(10):e46688). Based on the available evidence, the clinical significance of this variant remains unclear.

Color Diagnostics, LLC DBA Color Health
Classification: Uncertain significance for Hereditary cancer-predisposing syndrome. Last evaluated: 2018-09-25. Review status: criteria provided, single submitter. Criteria: ACMG Guidelines, 2015. Collection method: clinical testing. Allele origin: germline.